The following is an entry in ClinVar:

NM_001371928.1(AHDC1):c.662C>T (p.Ala221Val)

Gene: AHDC1 (AT-hook DNA binding motif containing 1; minus strand). Cytogenetic location: 1p36.11.
Variant type: single nucleotide variant.
Coding change: c.662C>T on transcript NM_001371928.1 (MANE Select); coding-DNA position 662, C replaced by T.
Protein change: p.Ala221Val; replaces alanine 221 with valine.
Molecular consequence: missense variant.
Genome position (GRCh38, 1-based): chr1:27,551,454, G>A on the plus strand (C>T on the coding strand, the complement: AHDC1 is on the minus strand). VCF-style: chr1-27551454-G-A. GRCh37 (hg19) VCF-style: chr1-27877965-G-A.
Other names: c.662C>T, p.Ala221Val (NM_001029882.3); short protein forms A221V.
Identifiers: ClinVar variation 3681586 (VCV003681586.2).

ClinVar aggregate classification (germline): Uncertain significance (1 of 4 stars; one submission).

gnomAD v4.1: 10 of 1,611,456 alleles (0.00062%); highest among the groups gnomAD compares: African/African-American, 0.0013%; no homozygotes.

Submission:

Labcorp Genetics (formerly Invitae), Labcorp
Classification: Uncertain significance. Last evaluated: 2024-04-24. Review status: criteria provided, single submitter. Criteria: Invitae Variant Classification Sherloc (09022015). Collection method: clinical testing. Allele origin: germline.
Comment: This sequence change replaces alanine, which is neutral and non-polar, with valine, which is neutral and non-polar, at codon 221 of the AHDC1 protein (p.Ala221Val). The frequency data for this variant in the population databases is considered unreliable, as metrics indicate poor data quality at this position in the gnomAD database. This variant has not been reported in the literature in individuals affected with AHDC1-related conditions. Algorithms developed to predict the effect of missense changes on protein structure and function output the following: SIFT: "Not Available"; PolyPhen-2: "Benign"; Align-GVGD: "Not Available". The valine amino acid residue is found in multiple mammalian species, which suggests that this missense change does not adversely affect protein function. In summary, the available evidence is currently insufficient to determine the role of this variant in disease. Therefore, it has been classified as a Variant of Uncertain Significance.